The following is an entry in ClinVar:

ClinVar aggregate classification (germline): Likely benign. Review status: criteria provided, multiple submitters, no conflicts (2 of 4 stars). 2 submissions from 2 submitters: Likely benign (2). Last evaluated 2024-09-12.

Conditions:
Multiple endocrine neoplasia, type 1 (MEN1). Also called: MEN I; WERMER SYNDROME; Endocrine adenomatosis multiple; MEN 1; MEA I. Identifiers: Orphanet 652, MedGen C0025267, MeSH D018761, MONDO:0007540, OMIM 131100.

gnomAD v4.1: 1 of 1,614,200 alleles (0.000062%); no homozygotes.

Submissions (2):

Labcorp Genetics (formerly Invitae), Labcorp
Classification: Likely benign for Multiple endocrine neoplasia, type 1. Last evaluated: 2024-09-12. Review status: criteria provided, single submitter. Criteria: Invitae Variant Classification Sherloc (09022015). Collection method: clinical testing. Allele origin: germline.

All of Us Research Program, National Institutes of Health
Classification: Likely benign for Multiple endocrine neoplasia, type 1. Last evaluated: 2023-08-15. Review status: criteria provided, single submitter. Criteria: ACMG Guidelines, 2015. Collection method: clinical testing. Allele origin: germline. Inheritance: Autosomal dominant inheritance. Observed: 1 variant allele, 1 heterozygote.
Comment: This study involves interpretation of variants in research participants for the purpose of population health screening. Participant phenotype was not available at the time of variant classification. Additional details can be found in publication PMID: 35346344, PMCID: PMC8962531

NM_001370259.2(MEN1):c.942G>A (p.Arg314=)

Gene: MEN1 (menin 1; minus strand). Cytogenetic location: 11q13.1.
Variant type: single nucleotide variant.
Coding change: c.942G>A on transcript NM_001370259.2 (MANE Select); coding-DNA position 942, G replaced by A.
Protein change: p.Arg314=; no amino-acid change (arginine 314 retained).
Molecular consequence: synonymous variant. On other transcripts: non-coding transcript variant (4).
Genome position (GRCh38, 1-based): chr11:64,806,339, C>T on the plus strand (G>A on the coding strand, the complement: MEN1 is on the minus strand). VCF-style: chr11-64806339-C-T. GRCh37 (hg19) VCF-style: chr11-64573811-C-T.
Other names: c.957G>A, p.Arg319= (NM_000244.4, NM_001407145.1, NM_001407150.1 and 5 more transcripts); c.942G>A, p.Arg314= (NM_001370251.2, NM_001370260.2, NM_001370261.2 and 7 more transcripts); c.837G>A, p.Arg279= (NM_001370262.2, NM_001370263.2, NM_001407148.1 and 2 more transcripts).
Identifiers: ClinVar variation 2419692 (VCV002419692.6), dbSNP rs1371603589, ClinGen allele CA474983388.
Genomic context (GRCh38, chr11:64,806,339, plus strand): 5'-CACATTGCGGTTGCGACAGTGGTAGCCAGCCAGGTACATGTAGGGGTAGATGTGTTCATC[C>T]CGATAGTAGGTCTTGGCTGAGGCAATGCCCTGGATGGAGGTGAGGCAGAGGATCCTCAGG-3'
Protein context (NP_001357188.2, residues 304-324): KGIASAKTYY[Arg314=]DEHIYPYMYL